The following is an entry in ClinVar:

ClinVar aggregate classification (germline): Uncertain significance (1 of 4 stars; one submission).

Submission:

Labcorp Genetics (formerly Invitae), Labcorp
Classification: Uncertain significance. Last evaluated: 2025-11-04. Review status: criteria provided, single submitter. Criteria: Invitae Variant Classification Sherloc (09022015). Collection method: clinical testing. Allele origin: germline.
Comment: This sequence change replaces glutamine, which is neutral and polar, with arginine, which is basic and polar, at codon 690 of the FLNB protein (p.Gln690Arg). This variant is not present in population databases (gnomAD no frequency). This variant has not been reported in the literature in individuals affected with FLNB-related conditions. Invitae Evidence Modeling of protein sequence and biophysical properties (such as structural, functional, and spatial information, amino acid conservation, physicochemical variation, residue mobility, and thermodynamic stability) indicates that this missense variant is not expected to disrupt FLNB protein function with a negative predictive value of 95%. In summary, the available evidence is currently insufficient to determine the role of this variant in disease. Therefore, it has been classified as a Variant of Uncertain Significance.

NM_001457.4(FLNB):c.2069A>G (p.Gln690Arg)

Gene: FLNB (filamin B; plus strand). Cytogenetic location: 3p14.3.
Variant type: single nucleotide variant.
Coding change: c.2069A>G on transcript NM_001457.4 (MANE Select); coding-DNA position 2069, A replaced by G.
Protein change: p.Gln690Arg; replaces glutamine 690 with arginine.
Molecular consequence: missense variant.
Genome position (GRCh38, 1-based): chr3:58,109,192, A>G. VCF-style: chr3-58109192-A-G. GRCh37 (hg19) VCF-style: chr3-58094919-A-G.
Other names: c.2069A>G, p.Gln690Arg (NM_001164319.2, NM_001164317.2, NM_001164318.2); short protein forms Q690R.
Identifiers: ClinVar variation 4777305 (VCV004777305.1).